The following is an entry in ClinVar:

NM_001807.6(CEL):c.1642G>A (p.Ala548Thr)

Gene: CEL (carboxyl ester lipase; plus strand). Cytogenetic location: 9q34.13.
Variant type: single nucleotide variant.
Coding change: c.1642G>A on transcript NM_001807.6 (MANE Select); coding-DNA position 1642, G replaced by A.
Protein change: p.Ala548Thr; replaces alanine 548 with threonine.
Molecular consequence: missense variant.
Genome position (GRCh38, 1-based): chr9:133,071,144, G>A. VCF-style: chr9-133071144-G-A. GRCh37 (hg19) VCF-style: chr9-135946531-G-A.
Other names: short protein forms A548T.
Identifiers: ClinVar variation 2583072 (VCV002583072.25), dbSNP rs780580551, ClinGen allele CA5303457.
Genomic context (GRCh38, chr9:133,071,144, plus strand): 5'-AGCTCCATGAAGCGGAGCCTGAGAACCAACTTCCTGCGCTACTGGACCCTCACCTATCTG[G>A]CGCTGCCCACAGTGACCGACCAGGAGGCCACCCCTGTGCCCCCCACAGGGGACTCCGAGG-3'
Protein context (NP_001798.3, residues 538-558): FLRYWTLTYL[Ala548Thr]LPTVTDQEAT

ClinVar aggregate classification (germline): Likely benign (1 of 4 stars; one submission).

Allele frequency attached by ClinVar (database versions not stated): gnomAD exomes 0.00005; TOPMed 0.00005; ExAC 0.00006; gnomAD 0.00008.
gnomAD v4.1: 80 of 1,608,628 alleles (0.005%); highest among the groups gnomAD compares: Middle Eastern, 0.033%; 1 homozygote.

Submission:

CeGaT Center for Human Genetics Tuebingen
Classification: Likely benign. Last evaluated: 2023-09-01. Review status: criteria provided, single submitter. Criteria: CeGaT Center For Human Genetics Tuebingen Variant Classification Criteria Version 2. Collection method: clinical testing. Allele origin: germline. Affected: yes. Observed: 1 variant allele.
Comment: CEL: BP4